The following is an entry in ClinVar:

ClinVar aggregate classification (germline): Uncertain significance. Review status: criteria provided, multiple submitters, no conflicts (2 of 4 stars). 3 submissions from 3 submitters: Uncertain significance (3). Last evaluated 2025-05-16.

Conditions:
Hereditary cancer-predisposing syndrome. Also called: Hereditary neoplastic syndrome; Tumor predisposition; Neoplastic Syndromes, Hereditary; Hereditary Cancer Syndrome. Identifiers: Orphanet 140162, MedGen C0027672, MeSH D009386, MONDO:0015356.
Multiple endocrine neoplasia, type 2 (MEN2). Identifiers: Orphanet 653, MedGen C4048306, MONDO:0019003. Disease mechanism: gain of function.

Submissions (3):

Ambry Genetics
Classification: Uncertain significance for Hereditary cancer-predisposing syndrome. Last evaluated: 2025-05-16. Review status: criteria provided, single submitter. Criteria: Ambry Variant Classification Scheme 2023. Collection method: clinical testing. Allele origin: germline.
Comment: The p.V778F variant (also known as c.2332G>T), located in coding exon 13 of the RET gene, results from a G to T substitution at nucleotide position 2332. The valine at codon 778 is replaced by phenylalanine, an amino acid with highly similar properties. This amino acid position is highly conserved in available vertebrate species. In addition, the in silico prediction for this alteration is inconclusive. Based on the available evidence, the clinical significance of this variant remains unclear.

All of Us Research Program, National Institutes of Health
Classification: Uncertain significance for Multiple endocrine neoplasia, type 2. Last evaluated: 2023-12-01. Review status: criteria provided, single submitter. Criteria: ACMG Guidelines, 2015. Collection method: clinical testing. Allele origin: germline. Inheritance: Autosomal dominant inheritance. Observed: 1 variant allele, 1 heterozygote.
Comment: This missense variant replaces valine with phenylalanine at codon 778 of the RET protein. Computational prediction is inconclusive regarding the impact of this variant on protein structure and function (internally defined REVEL score threshold 0.5 < inconclusive < 0.7, PMID: 27666373). To our knowledge, functional studies have not been reported for this variant. This variant has not been reported in individuals affected with hereditary cancer in the literature. This variant has not been identified in the general population by the Genome Aggregation Database (gnomAD). The available evidence is insufficient to determine the role of this variant in disease conclusively. Therefore, this variant is classified as a Variant of Uncertain Significance.

This study involves interpretation of variants in research participants for the purpose of population health screening. Participant phenotype was not available at the time of variant classification. Additional details can be found in publication PMID: 35346344, PMCID: PMC8962531

Labcorp Genetics (formerly Invitae), Labcorp
Classification: Uncertain significance for Multiple endocrine neoplasia, type 2. Last evaluated: 2022-12-12. Review status: criteria provided, single submitter. Criteria: Invitae Variant Classification Sherloc (09022015). Collection method: clinical testing. Allele origin: germline.
Comment: In summary, the available evidence is currently insufficient to determine the role of this variant in disease. Therefore, it has been classified as a Variant of Uncertain Significance. This sequence change replaces valine, which is neutral and non-polar, with phenylalanine, which is neutral and non-polar, at codon 778 of the RET protein (p.Val778Phe). This variant is not present in population databases (gnomAD no frequency). This variant has not been reported in the literature in individuals affected with RET-related conditions. ClinVar contains an entry for this variant (Variation ID: 1502831). Algorithms developed to predict the effect of missense changes on protein structure and function are either unavailable or do not agree on the potential impact of this missense change (SIFT: "Deleterious"; PolyPhen-2: "Possibly Damaging"; Align-GVGD: "Class C0").

NM_020975.6(RET):c.2332G>T (p.Val778Phe)

Gene: RET (ret proto-oncogene; plus strand). Cytogenetic location: 10q11.21.
Variant type: single nucleotide variant.
Coding change: c.2332G>T on transcript NM_020975.6 (MANE Select); coding-DNA position 2332, G replaced by T.
Protein change: p.Val778Phe; replaces valine 778 with phenylalanine.
Molecular consequence: missense variant.
Genome position (GRCh38, 1-based): chr10:43,118,420, G>T. VCF-style: chr10-43118420-G-T. GRCh37 (hg19) VCF-style: chr10-43613868-G-T.
Other names: c.2332G>T, p.Val778Phe (NM_000323.2, NM_001406743.1, NM_001406744.1 and 4 more transcripts); c.1570G>T, p.Val524Phe (NM_001355216.2); c.2203G>T, p.Val735Phe (NM_001406761.1, NM_001406762.1, NM_001406764.1); c.2197G>T, p.Val733Phe (NM_001406763.1, NM_001406765.1); c.2044G>T, p.Val682Phe (NM_001406766.1, NM_001406767.1, NM_001406770.1); c.2068G>T, p.Val690Phe (NM_001406768.1); c.1936G>T, p.Val646Phe (NM_001406769.1, NM_001406772.1); c.1435G>T, p.Val479Phe (NM_001406781.1, NM_001406782.1, NM_001406779.1 and 1 more transcripts); and 10 more; short protein forms V524F, V778F, V434F, V632F, V646F, V735F, V383F, V439F.
Identifiers: ClinVar variation 1502831 (VCV001502831.11), dbSNP rs75686697, ClinGen allele CA376555707.
Genomic context (GRCh38, chr10:43,118,420, plus strand): 5'-TGCTGCATTTCAGAGAACGCCTCCCCGAGTGAGCTGCGAGACCTGCTGTCAGAGTTCAAC[G>T]TCCTGAAGCAGGTCAACCACCCACATGTCATCAAATTGTATGGGGCCTGCAGCCAGGATG-3'
Protein context (NP_066124.1, residues 768-788): ELRDLLSEFN[Val778Phe]LKQVNHPHVI